The following is an entry in ClinVar:

ClinVar aggregate classification (germline): Uncertain significance (1 of 4 stars; one submission).

Conditions:
Hereditary cancer-predisposing syndrome. Also called: Neoplastic Syndromes, Hereditary; Tumor predisposition; Hereditary Cancer Syndrome; Hereditary neoplastic syndrome. Identifiers: Orphanet 140162, MedGen C0027672, MeSH D009386, MONDO:0015356.

Submission:

Ambry Genetics
Classification: Uncertain significance for Hereditary cancer-predisposing syndrome. Last evaluated: 2024-08-25. Review status: criteria provided, single submitter. Criteria: Ambry Variant Classification Scheme 2023. Collection method: clinical testing. Allele origin: germline.
Comment: The p.H1222D variant (also known as c.3664C>G), located in coding exon 30 of the POLE gene, results from a C to G substitution at nucleotide position 3664. The histidine at codon 1222 is replaced by aspartic acid, an amino acid with similar properties. This amino acid position is conserved. In addition, this alteration is predicted to be tolerated by in silico analysis. Based on the available evidence, the clinical significance of this variant remains unclear.

NM_006231.4(POLE):c.3664C>G (p.His1222Asp)

Gene: POLE (DNA polymerase epsilon, catalytic subunit; minus strand). Cytogenetic location: 12q24.33.
Variant type: single nucleotide variant.
Coding change: c.3664C>G on transcript NM_006231.4 (MANE Select); coding-DNA position 3664, C replaced by G.
Protein change: p.His1222Asp; replaces histidine 1222 with aspartic acid.
Molecular consequence: missense variant.
Genome position (GRCh38, 1-based): chr12:132,649,808, G>C on the plus strand (C>G on the coding strand, the complement: POLE is on the minus strand). VCF-style: chr12-132649808-G-C. GRCh37 (hg19) VCF-style: chr12-133226394-G-C.
Other names: short protein forms H1222D.
Identifiers: ClinVar variation 3422144 (VCV003422144.1).